The following is an entry in ClinVar:

ClinVar aggregate classification (germline): Uncertain significance. Review status: criteria provided, single submitter (1 of 4 stars). 2 submissions from 2 submitters: Uncertain significance (1). 1 of the submissions does not count toward it. Last evaluated 2025-05-15.

Conditions:
Metaphyseal anadysplasia 2 (MANDP2). Also called: Metaphyseal anadysplasia 2, autosomal recessive. Identifiers: Orphanet 1040, MedGen C2751322, MONDO:0013113, OMIM 613073.

Allele frequency attached by ClinVar (database versions not stated): gnomAD 0.00005; ExAC 0.00008; TOPMed 0.00009; gnomAD exomes 0.00010.
gnomAD v4.1: 104 of 1,535,792 alleles (0.0068%); highest among the groups gnomAD compares: Admixed American, 0.022%; no homozygotes.

Submissions (2):

Labcorp Genetics (formerly Invitae), Labcorp
Classification: Uncertain significance. Last evaluated: 2025-05-15. Review status: criteria provided, single submitter. Criteria: Invitae Variant Classification Sherloc (09022015). Collection method: clinical testing. Allele origin: germline.
Comment: This sequence change creates a premature translational stop signal (p.Trp588*) in the MMP9 gene. It is expected to result in an absent or disrupted protein product. However, the current clinical and genetic evidence is not sufficient to establish whether loss-of-function variants in MMP9 cause disease. This variant is present in population databases (rs200746714, gnomAD 0.03%). This variant has not been reported in the literature in individuals affected with MMP9-related conditions. ClinVar contains an entry for this variant (Variation ID: 631876). Experimental studies and prediction algorithms are not available or were not evaluated, and the functional significance of this variant is currently unknown. In summary, the available evidence is currently insufficient to determine the role of this variant in disease. Therefore, it has been classified as a Variant of Uncertain Significance.

OMIM
Classification: Pathogenic for METAPHYSEAL ANADYSPLASIA 2, AUTOSOMAL RECESSIVE. Last evaluated: 2022-04-28. Review status: no assertion criteria provided. Collection method: literature only. Allele origin: germline. Not counted in ClinVar's aggregate classification.

Literature cited by the submitters: PubMed 34407464 (cited by OMIM).

NM_004994.3(MMP9):c.1764G>A (p.Trp588Ter)

Genes: MMP9 (matrix metallopeptidase 9; plus strand), SLC12A5-AS1 (SLC12A5 and MMP9 antisense RNA 1; minus strand). Cytogenetic location: 20q13.12.
Variant type: single nucleotide variant.
Coding change: c.1764G>A on transcript NM_004994.3 (MANE Select); coding-DNA position 1764, G replaced by A.
Protein change: p.Trp588Ter; replaces tryptophan 588 with a stop codon.
Molecular consequence: nonsense. On other transcripts: non-coding transcript variant (1).
Genome position (GRCh38, 1-based): chr20:46,014,137, G>A. VCF-style: chr20-46014137-G-A. GRCh37 (hg19) VCF-style: chr20-44642776-G-A.
Other names: short protein forms W588*.
Identifiers: ClinVar variation 631876 (VCV000631876.10), dbSNP rs200746714, ClinGen allele CA9886830.